The following is an entry in ClinVar:

ClinVar aggregate classification (germline): Pathogenic. Review status: criteria provided, multiple submitters, no conflicts (2 of 4 stars). 2 submissions from 2 submitters: Pathogenic (2). Last evaluated 2026-01-27.

Conditions:
Lynch syndrome 5 (LYNCH5). Also called: Colorectal cancer, hereditary nonpolyposis, type 5; Hereditary non-polyposis colorectal cancer, type 5. Identifiers: Orphanet 144, MedGen C1833477, MONDO:0013710, OMIM 614350. Disease mechanism: loss of function.

Submissions (2):

Myriad Genetics, Inc.
Classification: Pathogenic for Lynch syndrome 5. Last evaluated: 2026-01-27. Review status: criteria provided, single submitter. Criteria: Myriad Autosomal Dominant, Autosomal Recessive and X-Linked Classification Criteria (2023). Collection method: clinical testing. Allele origin: unknown.
Comment: This variant is considered pathogenic. This variant creates a frameshift predicted to result in premature protein truncation.

Quest Diagnostics Nichols Institute San Juan Capistrano
Classification: Pathogenic. Last evaluated: 2025-06-25. Review status: criteria provided, single submitter. Criteria: Quest Diagnostics criteria. Collection method: clinical testing. Allele origin: unknown.
Comment: The MSH6 c.1739dup (p.Arg581Glufs*3) variant alters the translational reading frame of the MSH6 mRNA and causes the premature termination of MSH6 protein synthesis. This variant has not been reported in large, multi-ethnic general populations (Genome Aggregation Database). Based on the available information, this variant is classified as pathogenic.

NM_000179.3(MSH6):c.1739dup (p.Arg581fs)

Gene: MSH6 (mutS homolog 6; plus strand). Cytogenetic location: 2p16.3.
Variant type: Duplication.
Coding change: c.1739dup on transcript NM_000179.3 (MANE Select); coding-DNA position 1739, one base duplicated (C; older notation c.1739dupC).
Protein change: p.Arg581fs; shifts the reading frame from arginine 581.
Molecular consequence: frameshift variant. On other transcripts: non-coding transcript variant (4), intron variant (2).
Genome position (GRCh38, 1-based): chr2:47,799,722, C duplicated. VCF-style (leftmost placement, unchanged base first): chr2-47799721-T-TC. GRCh37 (hg19) VCF-style: chr2-48026860-T-TC.
Other names: c.1349dup, p.Arg451fs (NM_001281492.2); c.833dup, p.Arg279fs (NM_001281493.2, NM_001281494.2, NM_001406811.1 and 6 more transcripts); c.1835dup, p.Arg613fs (NM_001406795.1, NM_001406802.1); c.1739dup, p.Arg581fs (NM_001406796.1, NM_001406798.1, NM_001406800.1 and 3 more transcripts); c.1442dup, p.Arg482fs (NM_001406797.1, NM_001406801.1, NM_001406805.1 and 10 more transcripts); c.1214dup, p.Arg406fs (NM_001406799.1, NM_001406806.1, NM_001406807.1); c.1661dup, p.Arg555fs (NM_001406804.1); c.1745dup, p.Arg583fs (NM_001406813.1); and 3 more; short protein forms R279fs, R406fs, R451fs, R482fs, R525fs, R555fs, R581fs, R583fs.
Identifiers: ClinVar variation 4532888 (VCV004532888.2).
Genomic context (GRCh38, chr2:47,799,721, plus strand): 5'-TTTGTTGATACTTCACTGGGAAAGTTTTTCATAGGTCAGTTTTCAGATGATCGCCATTGT[T>TC]CGAGATTTAGGACTCTAGTGGCACACTATCCCCCAGTACAAGTTTTATTTGAAAAAGGAA-3'